The following is an entry in ClinVar:

ClinVar aggregate classification (germline): Uncertain significance (1 of 4 stars; one submission).

Allele frequency attached by ClinVar (database versions not stated): gnomAD 0.00001.
gnomAD v4.1: 6 of 1,364,752 alleles (0.00044%); highest among the groups gnomAD compares: Admixed American, 0.0017%; no homozygotes.

Submission:

Labcorp Genetics (formerly Invitae), Labcorp
Classification: Uncertain significance. Last evaluated: 2025-11-03. Review status: criteria provided, single submitter. Criteria: Invitae Variant Classification Sherloc (09022015). Collection method: clinical testing. Allele origin: germline.
Comment: This sequence change falls in intron 40 of the SI gene. It does not directly change the encoded amino acid sequence of the SI protein. It affects a nucleotide within the consensus splice site. This variant is present in population databases (no rsID available, gnomAD 0.1%). This variant has not been reported in the literature in individuals affected with SI-related conditions. ClinVar contains an entry for this variant (Variation ID: 2414586). Variants that disrupt the consensus splice site are a relatively common cause of aberrant splicing (PMID: 17576681, 9536098). Algorithms developed to predict the effect of sequence changes on RNA splicing suggest that this variant is not likely to affect RNA splicing. In summary, the available evidence is currently insufficient to determine the role of this variant in disease. Therefore, it has been classified as a Variant of Uncertain Significance.

Literature cited by the submitters: PubMed 17576681; PubMed 9536098.

NM_001041.4(SI):c.4692+6T>C

Gene: SI (sucrase-isomaltase; minus strand). Cytogenetic location: 3q26.1.
Variant type: single nucleotide variant.
Coding change: c.4692+6T>C on transcript NM_001041.4 (MANE Select); 6 bases into the intron after coding-DNA position 4692, T replaced by C.
Molecular consequence: intron variant.
Genome position (GRCh38, 1-based): chr3:164,996,529, A>G on the plus strand (T>C on the coding strand, the complement: SI is on the minus strand). VCF-style: chr3-164996529-A-G. GRCh37 (hg19) VCF-style: chr3-164714317-A-G.
Identifiers: ClinVar variation 2414586 (VCV002414586.4), dbSNP rs969368790, ClinGen allele CA86493393.